The following is an entry in ClinVar:

NM_000350.3(ABCA4):c.6148-150_6148-94del

Gene: ABCA4 (ATP binding cassette subfamily A member 4; minus strand). Cytogenetic location: 1p22.1.
Variant type: Deletion.
Coding change: c.6148-150_6148-94del on transcript NM_000350.3 (MANE Select); 150 bases into the intron before coding-DNA position 6148 through 94 bases into the intron before coding-DNA position 6148, 57 bases deleted.
Molecular consequence: intron variant.
Genome position (GRCh38, 1-based): chr1:94,002,086-94,002,142, 57 bases deleted. GRCh37 (hg19): chr1:94,467,643-94,467,699.
Other names: c.5926-150_5926-94del (NM_001425324.1).
Identifiers: ClinVar variation 4981381 (VCV004981381.1).

ClinVar aggregate classification (germline): Likely benign (1 of 4 stars; one submission).

Conditions:
ABCA4-related disorder. Also called: ABCA4-related condition; ABCA4-related disorders. Identifiers: MedGen CN239167.

Submission:

PreventionGenetics, part of Exact Sciences
Classification: Likely benign for ABCA4-related condition. Last evaluated: 2024-10-31. Review status: criteria provided, single submitter. Criteria: ACMG Guidelines, 2015. Collection method: clinical testing. Allele origin: germline.
Comment: This variant is classified as likely benign based on ACMG/AMP sequence variant interpretation guidelines (Richards et al. 2015 PMID: 25741868, with internal and published modifications).